The following is an entry in ClinVar:

NM_005450.6(NOG):c.331C>A (p.Arg111=)

Gene: NOG (noggin; plus strand). Cytogenetic location: 17q22.
Variant type: single nucleotide variant.
Coding change: c.331C>A on transcript NM_005450.6 (MANE Select); coding-DNA position 331, C replaced by A.
Protein change: p.Arg111=; no amino-acid change (arginine 111 retained).
Molecular consequence: synonymous variant.
Genome position (GRCh38, 1-based): chr17:56,594,554, C>A. VCF-style: chr17-56594554-C-A. GRCh37 (hg19) VCF-style: chr17-54671915-C-A.
Identifiers: ClinVar variation 2843627 (VCV002843627.3), dbSNP rs2545137672, ClinGen allele CA500985271.

ClinVar aggregate classification (germline): Uncertain significance (1 of 4 stars; one submission).

Submission:

Labcorp Genetics (formerly Invitae), Labcorp
Classification: Uncertain significance. Last evaluated: 2023-03-08. Review status: criteria provided, single submitter. Criteria: Invitae Variant Classification Sherloc (09022015). Collection method: clinical testing. Allele origin: germline.
Comment: In summary, the available evidence is currently insufficient to determine the role of this variant in disease. Therefore, it has been classified as a Variant of Uncertain Significance. This variant has not been reported in the literature in individuals affected with NOG-related conditions. This variant is not present in population databases (gnomAD no frequency). This sequence change affects codon 111 of the NOG mRNA. It is a 'silent' change, meaning that it does not change the encoded amino acid sequence of the NOG protein.